The following is an entry in ClinVar:

NM_001394998.1(TANC2):c.4633G>A (p.Gly1545Ser)

Gene: TANC2 (tetratricopeptide repeat, ankyrin repeat and coiled-coil containing 2; plus strand). Cytogenetic location: 17q23.3.
Variant type: single nucleotide variant.
Coding change: c.4633G>A on transcript NM_001394998.1 (MANE Select); coding-DNA position 4633, G replaced by A.
Protein change: p.Gly1545Ser; replaces glycine 1545 with serine.
Molecular consequence: missense variant.
Genome position (GRCh38, 1-based): chr17:63,420,363, G>A. VCF-style: chr17-63420363-G-A. GRCh37 (hg19) VCF-style: chr17-61497724-G-A.
Other names: c.4411G>A, p.Gly1471Ser (NM_001411076.1); c.4381G>A, p.Gly1461Ser (NM_025185.4); c.4381G>A (NM_025185.3); short protein forms G1461S, G1471S, G1545S.
Identifiers: ClinVar variation 3239115 (VCV003239115.19), dbSNP rs2147417866.
Genomic context (GRCh38, chr17:63,420,363, plus strand): 5'-CAGAGCCCACCCTCCTCTCCCCCGCATCGGGACTCAGCCTACATCTCCAGCTCACCTCTT[G>A]GCTCTCATCAGGTTTTTGACTTCCGGTCCAGTAGTTCTGTAGGCTCTCCCACTAGACAGA-3'
Protein context (NP_001381927.1, residues 1535-1555): DSAYISSSPL[Gly1545Ser]SHQVFDFRSS

ClinVar aggregate classification (germline): Uncertain significance. Review status: criteria provided, multiple submitters, no conflicts (2 of 4 stars). 2 submissions from 2 submitters: Uncertain significance (2). Last evaluated 2025-03-13.

Submissions (2):

GeneDx
Classification: Uncertain significance. Last evaluated: 2025-03-13. Review status: criteria provided, single submitter. Criteria: GeneDx Variant Classification Process June 2021. Collection method: clinical testing. Allele origin: germline. Affected: yes.
Comment: Not observed at significant frequency in large population cohorts (gnomAD); In silico analysis indicates that this missense variant does not alter protein structure/function; Has not been previously published as pathogenic or benign to our knowledge

CeGaT Center for Human Genetics Tuebingen
Classification: Uncertain significance. Last evaluated: 2024-05-01. Review status: criteria provided, single submitter. Criteria: CeGaT Center For Human Genetics Tuebingen Variant Classification Criteria Version 2. Collection method: clinical testing. Allele origin: germline. Affected: yes. Observed: 1 variant allele.
Comment: TANC2: PM2